The following is an entry in ClinVar:

ClinVar aggregate classification (germline): Likely benign. Review status: criteria provided, multiple submitters, no conflicts (2 of 4 stars). 2 submissions from 2 submitters: Likely benign (2). Last evaluated 2022-03-20.

Conditions:
Ataxia-telangiectasia syndrome (AT). Also called: Cerebello-oculocutaneous telangiectasia; Immunodeficiency with ataxia telangiectasia; AT, COMPLEMENTATION GROUP C; Ataxia-telangiectasia, complementation group D; LOUIS-BAR SYNDROME; Ataxia-telangiectasia, complementation group E. Identifiers: Orphanet 100, MedGen C0004135, MONDO:0008840, OMIM 208900.

Allele frequency attached by ClinVar (database versions not stated): ExAC 0.00001.
gnomAD v4.1: 8 of 1,553,950 alleles (0.00051%); highest among the groups gnomAD compares: South Asian, 0.0067%; no homozygotes.

Submissions (2):

Labcorp Genetics (formerly Invitae), Labcorp
Classification: Likely benign for Ataxia-telangiectasia syndrome. Last evaluated: 2022-03-20. Review status: criteria provided, single submitter. Criteria: Invitae Variant Classification Sherloc (09022015). Collection method: clinical testing. Allele origin: germline.

GeneDx
Classification: Likely benign. Last evaluated: 2017-04-04. Review status: criteria provided, single submitter. Criteria: GeneDx Variant Classification (06012015). Collection method: clinical testing. Allele origin: germline. Affected: yes.
Comment: This variant is considered likely benign or benign based on one or more of the following criteria: it is a conservative change, it occurs at a poorly conserved position in the protein, it is predicted to be benign by multiple in silico algorithms, and/or has population frequency not consistent with disease.

NM_000051.4(ATM):c.3402+18G>A

Gene: ATM (ATM serine/threonine kinase; plus strand). Cytogenetic location: 11q22.3.
Variant type: single nucleotide variant.
Coding change: c.3402+18G>A on transcript NM_000051.4 (MANE Select); 18 bases into the intron after coding-DNA position 3402, G replaced by A.
Molecular consequence: intron variant.
Genome position (GRCh38, 1-based): chr11:108,279,626, G>A. VCF-style: chr11-108279626-G-A. GRCh37 (hg19) VCF-style: chr11-108150353-G-A.
Other names: c.3402+18G>A (NM_001351834.2).
Identifiers: ClinVar variation 508734 (VCV000508734.8), dbSNP rs752000273, ClinGen allele CA6265276.